The following is an entry in ClinVar:

NM_000829.4(GRIA4):c.1431A>C (p.Ala477=)

Gene: GRIA4 (glutamate ionotropic receptor AMPA type subunit 4; plus strand). Cytogenetic location: 11q22.3.
Variant type: single nucleotide variant.
Coding change: c.1431A>C on transcript NM_000829.4 (MANE Select); coding-DNA position 1431, A replaced by C.
Protein change: p.Ala477=; no amino-acid change (alanine 477 retained).
Molecular consequence: synonymous variant. On other transcripts: non-coding transcript variant (1).
Genome position (GRCh38, 1-based): chr11:105,918,873, A>C. VCF-style: chr11-105918873-A-C. GRCh37 (hg19) VCF-style: chr11-105789599-A-C.
Other names: c.1431A>C, p.Ala477= (NM_001077243.3).
Identifiers: ClinVar variation 2642337 (VCV002642337.24), dbSNP rs2497894271, ClinGen allele CA476697680.

ClinVar aggregate classification (germline): Likely benign (1 of 4 stars; one submission).

Submission:

CeGaT Center for Human Genetics Tuebingen
Classification: Likely benign. Last evaluated: 2023-07-01. Review status: criteria provided, single submitter. Criteria: CeGaT Center For Human Genetics Tuebingen Variant Classification Criteria Version 2. Collection method: clinical testing. Allele origin: germline. Affected: yes. Observed: 1 variant allele.
Comment: GRIA4: PM2:Supporting, BP4, BP7